The following is an entry in ClinVar:

NM_001365276.2(TNXB):c.7143C>A (p.Gly2381=)

Gene: TNXB (tenascin XB; minus strand). Cytogenetic location: 6p21.33.
Variant type: single nucleotide variant.
Coding change: c.7143C>A on transcript NM_001365276.2 (MANE Select); coding-DNA position 7143, C replaced by A.
Protein change: p.Gly2381=; no amino-acid change (glycine 2381 retained).
Molecular consequence: synonymous variant.
Genome position (GRCh38, 1-based): chr6:32,062,182, G>T on the plus strand (C>A on the coding strand, the complement: TNXB is on the minus strand). VCF-style: chr6-32062182-G-T. GRCh37 (hg19) VCF-style: chr6-32029959-G-T.
Other names: c.7884C>A, p.Gly2628= (NM_001428335.1); c.7143C>A, p.Gly2381= (NM_019105.8).
Identifiers: ClinVar variation 4188699 (VCV004188699.2).
Genomic context (GRCh38, chr6:32,062,182, plus strand): 5'-TGGCTCCCACCCTGGGGCTCCCATCGTCCACTCACCTGTCACCCCGATGGCAGACACGGG[G>T]CCCACACGCTGGCCACCGTGGAAGCCGTACAGGTTCATCTTGTACTTGTTGTCTGGCTCC-3'
Protein context (NP_001352205.1, residues 2371-2391): LYGFHGGQRV[Gly2381=]PVSAIGVTAA

ClinVar aggregate classification (germline): Likely benign. Review status: criteria provided, multiple submitters, no conflicts (2 of 4 stars). 2 submissions from 2 submitters: Likely benign (2). Last evaluated 2026-05-12.

Conditions:
Cardiovascular phenotype. Identifiers: MedGen CN230736.

Submissions (2):

Women's Health and Genetics/Laboratory Corporation of America, LabCorp
Classification: Likely benign. Last evaluated: 2026-05-12. Review status: criteria provided, single submitter. Criteria: LabCorp Variant Classification Summary - May 2015. Collection method: clinical testing. Allele origin: germline.
Comment: Variant summary: TNXB c.7143C>A alters a conserved nucleotide resulting in a synonymous change. Consensus agreement among computation tools predict no significant impact on normal splicing. However, these predictions have yet to be confirmed by functional studies. The frequency data for this variant in gnomAD is considered unreliable, as metrics indicate poor data quality at this position. To our knowledge, no occurrence of c.7143C>A in individuals affected with TNXB-related conditions and no experimental evidence demonstrating its impact on protein function have been reported. ClinVar contains an entry for this variant (Variation ID: 4188699). Based on the evidence outlined above, the variant was classified as likely benign.

Ambry Genetics
Classification: Likely benign for Cardiovascular phenotype. Last evaluated: 2025-07-21. Review status: criteria provided, single submitter. Criteria: Ambry Variant Classification Scheme 2023. Collection method: clinical testing. Allele origin: germline.